The following is an entry in ClinVar:

NM_006904.7(PRKDC):c.507A>G (p.Thr169=)

Gene: PRKDC (protein kinase, DNA-activated, catalytic subunit; minus strand). Cytogenetic location: 8q11.21.
Variant type: single nucleotide variant.
Coding change: c.507A>G on transcript NM_006904.7 (MANE Select); coding-DNA position 507, A replaced by G.
Protein change: p.Thr169=; no amino-acid change (threonine 169 retained).
Molecular consequence: synonymous variant.
Genome position (GRCh38, 1-based): chr8:47,954,339, T>C on the plus strand (A>G on the coding strand, the complement: PRKDC is on the minus strand). VCF-style: chr8-47954339-T-C. GRCh37 (hg19) VCF-style: chr8-48866899-T-C.
Other names: c.507A>G, p.Thr169= (NM_001081640.2).
Identifiers: ClinVar variation 2174946 (VCV002174946.4), dbSNP rs2090670059, ClinGen allele CA460609031.
Genomic context (GRCh38, chr8:47,954,339, plus strand): 5'-ATAATTTGTTAATATTAATTTGCTAAACTATTTGAAAATAACATGTAAATGCATCTCACC[T>C]GTATCTGGTATTTTTTTTTTCAATGCAAGTTCTCCATAGAATTTACTAAATAATTCTCCA-3'
Protein context (NP_008835.5, residues 159-179): ELALKKKIPD[Thr169=]VLEKVYELLG

ClinVar aggregate classification (germline): Uncertain significance (1 of 4 stars; one submission).

Conditions:
Severe combined immunodeficiency due to DNA-PKcs deficiency. Also called: IMMUNODEFICIENCY 26 WITH NEUROLOGIC ABNORMALITIES; Immunodeficiency 26 with or without neurologic abnormalities. Identifiers: Orphanet 317425, MedGen C4014833, MONDO:0014423, OMIM 615966.

Allele frequency attached by ClinVar (database versions not stated): TOPMed 0.00001.

Submission:

Labcorp Genetics (formerly Invitae), Labcorp
Classification: Uncertain significance for Severe combined immunodeficiency due to DNA-PKcs deficiency. Last evaluated: 2022-05-07. Review status: criteria provided, single submitter. Criteria: Invitae Variant Classification Sherloc (09022015). Collection method: clinical testing. Allele origin: germline.
Comment: In summary, the available evidence is currently insufficient to determine the role of this variant in disease. Therefore, it has been classified as a Variant of Uncertain Significance. Algorithms developed to predict the effect of sequence changes on RNA splicing suggest that this variant may disrupt the consensus splice site. This variant has not been reported in the literature in individuals affected with PRKDC-related conditions. This variant is not present in population databases (gnomAD no frequency). This sequence change affects codon 169 of the PRKDC mRNA. It is a 'silent' change, meaning that it does not change the encoded amino acid sequence of the PRKDC protein. It affects a nucleotide within the consensus splice site.